The following is an entry in ClinVar:

NM_000384.3(APOB):c.3127A>T (p.Lys1043Ter)

Gene: APOB (apolipoprotein B; minus strand). Cytogenetic location: 2p24.1.
Variant type: single nucleotide variant.
Coding change: c.3127A>T on transcript NM_000384.3 (MANE Select); coding-DNA position 3127, A replaced by T.
Protein change: p.Lys1043Ter; replaces lysine 1043 with a stop codon.
Molecular consequence: nonsense.
Genome position (GRCh38, 1-based): chr2:21,016,644, T>A on the plus strand (A>T on the coding strand, the complement: APOB is on the minus strand). VCF-style: chr2-21016644-T-A. GRCh37 (hg19) VCF-style: chr2-21239516-T-A.
Other names: short protein forms K1043*.
Identifiers: ClinVar variation 2572439 (VCV002572439.1), dbSNP rs2465391637, ClinGen allele CA346009771.

ClinVar aggregate classification (germline): Likely pathogenic (1 of 4 stars; one submission).

Conditions:
Familial hypobetalipoproteinemia 1. Also called: APOB-Related Familial Hypobetalipoproteinemia; Hypobetalipoproteinemia, normotriglyceridemic; Acanthocytosis with hypobetalipoproteinemia. Identifiers: MedGen C4551990, MONDO:0014252, OMIM 615558.

Submission:

3billion
Classification: Likely pathogenic for Familial hypobetalipoproteinemia 1. Review status: criteria provided, single submitter. Criteria: ACMG Guidelines, 2015. Collection method: clinical testing. Allele origin: unknown. Affected: yes. Observed: 1 heterozygote.
Comment: The variant is not observed in the gnomAD v2.1.1 dataset. The variant is predicted to result in a loss or disruption of normal protein function through nonsense-mediated decay (NMD) or protein truncation. Multiple pathogenic variants are reported downstream of the variant. Therefore, this variant is classified as Likely pathogenic according to the recommendation of ACMG/AMP guideline.